The following is an entry in ClinVar:

ClinVar aggregate classification (germline): Likely benign. Review status: criteria provided, multiple submitters, no conflicts (2 of 4 stars). 3 submissions from 3 submitters: Likely benign (3). Last evaluated 2025-06-19.

Conditions:
Malignant hyperthermia, susceptibility to, 5 (MHS5). Also called: CACNA1S-Related Malignant Hyperthermia Susceptibility. Identifiers: Orphanet 423, MedGen C1866077, MONDO:0011163, OMIM 601887.
Hypokalemic periodic paralysis, type 1. Also called: Hypokalemic Periodic Paralysis Type 1 (AD); HypoPP. Identifiers: Orphanet 681, MedGen C3714580, MONDO:0042979, OMIM 170400.

Allele frequency attached by ClinVar (database versions not stated): gnomAD 0.00003; TOPMed 0.00003; ExAC 0.00004; ESP Exome Variant Server 0.00008.
gnomAD v4.1: 19 of 1,613,980 alleles (0.0012%); highest among the groups gnomAD compares: African/African-American, 0.0067%; no homozygotes.

Submissions (3):

Labcorp Genetics (formerly Invitae), Labcorp
Classification: Likely benign for Hypokalemic periodic paralysis, type 1; Malignant hyperthermia, susceptibility to, 5. Last evaluated: 2025-06-19. Review status: criteria provided, single submitter. Criteria: Invitae Variant Classification Sherloc (09022015). Collection method: clinical testing. Allele origin: germline.

All of Us Research Program, National Institutes of Health
Classification: Likely benign for Malignant hyperthermia, susceptibility to, 5. Last evaluated: 2023-11-20. Review status: criteria provided, single submitter. Criteria: ACMG Guidelines, 2015. Collection method: clinical testing. Allele origin: germline. Inheritance: Autosomal dominant inheritance. Observed: 1 variant allele, 1 heterozygote.
Comment: This study involves interpretation of variants in research participants for the purpose of population health screening. Participant phenotype was not available at the time of variant classification. Additional details can be found in publication PMID: 35346344, PMCID: PMC8962531

Color Diagnostics, LLC DBA Color Health
Classification: Likely benign for Malignant hyperthermia, susceptibility to, 5. Last evaluated: 2022-11-06. Review status: criteria provided, single submitter. Criteria: ACMG Guidelines, 2015. Collection method: clinical testing. Allele origin: germline.

NM_000069.3(CACNA1S):c.5088G>A (p.Thr1696=)

Gene: CACNA1S (calcium voltage-gated channel subunit alpha1 S; minus strand). Cytogenetic location: 1q32.1.
Variant type: single nucleotide variant.
Coding change: c.5088G>A on transcript NM_000069.3 (MANE Select); coding-DNA position 5088, G replaced by A.
Protein change: p.Thr1696=; no amino-acid change (threonine 1696 retained).
Molecular consequence: synonymous variant.
Genome position (GRCh38, 1-based): chr1:201,041,550, C>T on the plus strand (G>A on the coding strand, the complement: CACNA1S is on the minus strand). VCF-style: chr1-201041550-C-T. GRCh37 (hg19) VCF-style: chr1-201010678-C-T.
Identifiers: ClinVar variation 2200494 (VCV002200494.6), dbSNP rs149863607, ClinGen allele CA083718.